The following is an entry in ClinVar:

NM_020247.5(COQ8A):c.1008C>T (p.Phe336=)

Gene: COQ8A (coenzyme Q8A; plus strand). Cytogenetic location: 1q42.13.
Variant type: single nucleotide variant.
Coding change: c.1008C>T on transcript NM_020247.5 (MANE Select); coding-DNA position 1008, C replaced by T.
Protein change: p.Phe336=; no amino-acid change (phenylalanine 336 retained).
Molecular consequence: synonymous variant.
Genome position (GRCh38, 1-based): chr1:226,982,962, C>T. VCF-style: chr1-226982962-C-T. GRCh37 (hg19) VCF-style: chr1-227170663-C-T.
Identifiers: ClinVar variation 2155799 (VCV002155799.17), dbSNP rs758871135, ClinGen allele CA1425264.

ClinVar aggregate classification (germline): Likely benign. Review status: criteria provided, multiple submitters, no conflicts (2 of 4 stars). 2 submissions from 2 submitters: Likely benign (2). Last evaluated 2025-08-22.

Allele frequency attached by ClinVar (database versions not stated): gnomAD 0.00004; ExAC 0.00008.
gnomAD v4.1: 38 of 1,604,594 alleles (0.0024%); highest among the groups gnomAD compares: African/African-American, 0.011%; no homozygotes.

Submissions (2):

Labcorp Genetics (formerly Invitae), Labcorp
Classification: Likely benign. Last evaluated: 2025-08-22. Review status: criteria provided, single submitter. Criteria: Invitae Variant Classification Sherloc (09022015). Collection method: clinical testing. Allele origin: germline.

CeGaT Center for Human Genetics Tuebingen
Classification: Likely benign. Last evaluated: 2025-03-01. Review status: criteria provided, single submitter. Criteria: CeGaT Center For Human Genetics Tuebingen Variant Classification Criteria Version 2. Collection method: clinical testing. Allele origin: germline. Affected: yes. Observed: 1 variant allele.
Comment: COQ8A: BP4, BP7